The following is an entry in ClinVar:

ClinVar aggregate classification (germline): Uncertain significance (1 of 4 stars; one submission).

Conditions:
Familial adenomatous polyposis 1 (FAP1). Also called: FAMILIAL ADENOMATOUS POLYPOSIS 1, ATTENUATED; POLYPOSIS, ADENOMATOUS INTESTINAL. Identifiers: MedGen C2713442, MONDO:0021056, OMIM 175100. Disease mechanism: loss of function.

Submission:

Labcorp Genetics (formerly Invitae), Labcorp
Classification: Uncertain significance for Familial adenomatous polyposis 1. Last evaluated: 2023-07-31. Review status: criteria provided, single submitter. Criteria: Invitae Variant Classification Sherloc (09022015). Collection method: clinical testing. Allele origin: germline.
Comment: This sequence change replaces serine, which is neutral and polar, with glycine, which is neutral and non-polar, at codon 546 of the APC protein (p.Ser546Gly). Information on the frequency of this variant in the gnomAD database is not available, as this variant may be reported differently in the database. This variant has not been reported in the literature in individuals affected with APC-related conditions. Experimental studies and prediction algorithms are not available or were not evaluated, and the functional significance of this variant is currently unknown. In summary, the available evidence is currently insufficient to determine the role of this variant in disease. Therefore, it has been classified as a Variant of Uncertain Significance.

NM_000038.6(APC):c.1635_1636delinsAG (p.Ser546Gly)

Gene: APC (APC regulator of Wnt signaling pathway; plus strand). Cytogenetic location: 5q22.2.
Variant type: Indel.
Coding change: c.1635_1636delinsAG on transcript NM_000038.6 (MANE Select); coding-DNA positions 1635 to 1636, GA replaced by AG.
Protein change: p.Ser546Gly; replaces serine 546 with glycine.
Molecular consequence: missense variant.
Genome position (GRCh38, 1-based): chr5:112,828,864-112,828,865, GA replaced by AG. VCF-style: chr5-112828864-GA-AG. GRCh37 (hg19) VCF-style: chr5-112164561-GA-AG.
Other names: c.1635_1636delinsAG, p.Ser546Gly (NM_001127510.3, NM_001354895.2, NM_001407450.1); c.1581_1582delinsAG, p.Ser528Gly (NM_001127511.3); c.1689_1690delinsAG, p.Ser564Gly (NM_001354896.2, NM_001407447.1, NM_001407448.1 and 1 more transcripts); c.1665_1666delinsAG, p.Ser556Gly (NM_001354897.2); c.1560_1561delinsAG, p.Ser521Gly (NM_001354898.2); c.1551_1552delinsAG, p.Ser518Gly (NM_001354899.2); c.1512_1513delinsAG, p.Ser505Gly (NM_001354900.2); c.1458_1459delinsAG, p.Ser487Gly (NM_001354901.2, NM_001407453.1); and 11 more; short protein forms S463G, S536G, S386G, S420G, S445G, S455G, S487G, S528G.
Identifiers: ClinVar variation 2748653 (VCV002748653.3), dbSNP rs2533241012, ClinGen allele CA2697546184.